The following is an entry in ClinVar:

ClinVar aggregate classification (germline): Uncertain significance. Review status: criteria provided, multiple submitters, no conflicts (2 of 4 stars). 3 submissions from 3 submitters: Uncertain significance (2). 1 of the submissions does not count toward it. Last evaluated 2025-01-10.

Conditions:
Inborn genetic diseases. Identifiers: MedGen C0950123, MeSH D030342.
Dyskeratosis congenita, autosomal recessive 5 (DKCB5). Identifiers: MedGen C3554656, MONDO:0014076, OMIM 615190.
Pulmonary fibrosis and/or bone marrow failure, Telomere-related, 3. Also called: PULMONARY FIBROSIS AND/OR BONE MARROW FAILURE SYNDROME, TELOMERE-RELATED, 3. Identifiers: Orphanet 2032, MedGen C4225346, MONDO:0014613, OMIM 616373.
Dyskeratosis congenita. Identifiers: Orphanet 1775, MedGen C0265965, MONDO:0015780.

Allele frequency attached by ClinVar (database versions not stated): TOPMed below 0.00001; gnomAD exomes 0.00002.
gnomAD v4.1: 27 of 1,614,130 alleles (0.0017%); highest among the groups gnomAD compares: Non-Finnish European, 0.0023%; no homozygotes.

Submissions (3):

Ambry Genetics
Classification: Uncertain significance for Inborn genetic diseases. Last evaluated: 2025-01-10. Review status: criteria provided, single submitter. Criteria: Ambry Variant Classification Scheme 2023. Collection method: clinical testing. Allele origin: germline.
Comment: The p.I194V variant (also known as c.580A>G), located in coding exon 6 of the RTEL1 gene, results from an A to G substitution at nucleotide position 580. The isoleucine at codon 194 is replaced by valine, an amino acid with highly similar properties. This amino acid position is conserved. In addition, this alteration is predicted to be tolerated by in silico analysis. Based on the available evidence, the clinical significance of this variant remains unclear.

Labcorp Genetics (formerly Invitae), Labcorp
Classification: Uncertain significance for Dyskeratosis congenita, autosomal recessive 5; Pulmonary fibrosis and/or bone marrow failure, Telomere-related, 3. Last evaluated: 2021-12-02. Review status: criteria provided, single submitter. Criteria: Invitae Variant Classification Sherloc (09022015). Collection method: clinical testing. Allele origin: germline.
Comment: This sequence change replaces isoleucine, which is neutral and non-polar, with valine, which is neutral and non-polar, at codon 194 of the RTEL1 protein (p.Ile194Val). This variant is not present in population databases (gnomAD no frequency). This variant has not been reported in the literature in individuals affected with RTEL1-related conditions. ClinVar contains an entry for this variant (Variation ID: 473923). Algorithms developed to predict the effect of missense changes on protein structure and function (SIFT, PolyPhen-2, Align-GVGD) all suggest that this variant is likely to be tolerated. In summary, the available evidence is currently insufficient to determine the role of this variant in disease. Therefore, it has been classified as a Variant of Uncertain Significance.

Natera, Inc.
Classification: Uncertain significance for Dyskeratosis congenita. Last evaluated: 2021-08-03. Review status: no assertion criteria provided. Collection method: clinical testing. Allele origin: germline. Not counted in ClinVar's aggregate classification.

NM_001283009.2(RTEL1):c.580A>G (p.Ile194Val)

Genes: RTEL1-TNFRSF6B (RTEL1-TNFRSF6B readthrough (NMD candidate); plus strand), RTEL1 (regulator of telomere elongation helicase 1; plus strand). Cytogenetic location: 20q13.33.
Variant type: single nucleotide variant.
Coding change: c.580A>G on transcript NM_001283009.2 (MANE Select); coding-DNA position 580, A replaced by G.
Protein change: p.Ile194Val; replaces isoleucine 194 with valine.
Molecular consequence: missense variant. On other transcripts: non-coding transcript variant (1), 5 prime UTR variant (1).
Genome position (GRCh38, 1-based): chr20:63,666,045, A>G. VCF-style: chr20-63666045-A-G. GRCh37 (hg19) VCF-style: chr20-62297398-A-G.
Other names: c.-90A>G (NM_001283010.1); c.580A>G, p.Ile194Val (NM_016434.4); c.652A>G, p.Ile218Val (NM_032957.5); short protein forms I194V, I218V.
Identifiers: ClinVar variation 473923 (VCV000473923.6), dbSNP rs963605629, ClinGen allele CA317491109.
Genomic context (GRCh38, chr20:63,666,045, plus strand): 5'-CCCTGCCTCACACCTGCAGAAAAAAGCCTGGAGCAGGAGCTGGCCAGCCCCATCCTGGAC[A>G]TTGAGGACTTGGTCAAGAGCGGAAGCAAGCACAGGTGAGACCCCTCAGTGAGGCCACGAC-3'
Protein context (NP_001269938.1, residues 184-204): EQELASPILD[Ile194Val]EDLVKSGSKH